The following is an entry in ClinVar:

ClinVar aggregate classification (germline): Uncertain significance (1 of 4 stars; one submission).

Conditions:
Inborn genetic diseases. Identifiers: MedGen C0950123, MeSH D030342.

gnomAD v4.1: 1 of 1,564,844 alleles (0.000064%); highest among the groups gnomAD compares: Admixed American, 0.0019%; no homozygotes.

Submission:

Ambry Genetics
Classification: Uncertain significance for Inborn genetic diseases. Last evaluated: 2022-01-19. Review status: criteria provided, single submitter. Criteria: Ambry Variant Classification Scheme 2023. Collection method: clinical testing. Allele origin: germline.
Comment: The alteration results in an amino acid change:_x000D_ _x000D_ The c.3886C>A (p.R1296S) alteration is located in exon 29 (coding exon 28) of the INTS1 gene. This alteration results from a C to A substitution at nucleotide position 3886, causing the arginine (R) at amino acid position 1296 to be replaced by a serine (S). The missense change is ultra rare in healthy individuals:_x000D_ _x000D_ Based on data from the Genome Aggregation Database (gnomAD), the INTS1 c.3886C>A alteration was observed in 0.0006% (1/172,934) total alleles studied. The altered amino acid is conserved throughout evolution:_x000D_ _x000D_ The p.R1296 amino acid is conserved in available vertebrate species. The alteration is predicted deleterious by in silico models:_x000D_ _x000D_ The p.R1296S alteration is predicted to be probably damaging by Polyphen and deleterious by SIFT in silico analyses. Based on insufficient or conflicting evidence, the clinical significance of this alteration remains unclear.

NM_001080453.3(INTS1):c.3886C>A (p.Arg1296Ser)

Gene: INTS1 (integrator complex subunit 1; minus strand). Cytogenetic location: 7p22.3.
Variant type: single nucleotide variant.
Coding change: c.3886C>A on transcript NM_001080453.3 (MANE Select); coding-DNA position 3886, C replaced by A.
Protein change: p.Arg1296Ser; replaces arginine 1296 with serine.
Molecular consequence: missense variant.
Genome position (GRCh38, 1-based): chr7:1,480,898, G>T on the plus strand (C>A on the coding strand, the complement: INTS1 is on the minus strand). VCF-style: chr7-1480898-G-T. GRCh37 (hg19) VCF-style: chr7-1520534-G-T.
Other names: short protein forms R1296S.
Identifiers: ClinVar variation 985163 (VCV000985163.4), dbSNP rs375777697, ClinGen allele CA366587592.